The following is an entry in ClinVar:

ClinVar aggregate classification (germline): Uncertain significance. Review status: criteria provided, multiple submitters, no conflicts (2 of 4 stars). 2 submissions from 2 submitters: Uncertain significance (2). Last evaluated 2025-08-09.

Conditions:
Inborn genetic diseases. Identifiers: MedGen C0950123, MeSH D030342.

Allele frequency attached by ClinVar (database versions not stated): gnomAD exomes below 0.00001; gnomAD 0.00001; TOPMed 0.00002.
gnomAD v4.1: 7 of 1,545,246 alleles (0.00045%); highest among the groups gnomAD compares: Admixed American, 0.0079%; no homozygotes.

Submissions (2):

Ambry Genetics
Classification: Uncertain significance for Inborn genetic diseases. Last evaluated: 2025-08-09. Review status: criteria provided, single submitter. Criteria: Ambry Variant Classification Scheme 2023. Collection method: clinical testing. Allele origin: germline.

Labcorp Genetics (formerly Invitae), Labcorp
Classification: Uncertain significance. Last evaluated: 2024-11-18. Review status: criteria provided, single submitter. Criteria: Invitae Variant Classification Sherloc (09022015). Collection method: clinical testing. Allele origin: germline.
Comment: This sequence change replaces alanine, which is neutral and non-polar, with valine, which is neutral and non-polar, at codon 142 of the KLF1 protein (p.Ala142Val). The frequency data for this variant in the population databases is considered unreliable, as metrics indicate poor data quality at this position in the gnomAD database. This variant has not been reported in the literature in individuals affected with KLF1-related conditions. ClinVar contains an entry for this variant (Variation ID: 1922577). Invitae Evidence Modeling of protein sequence and biophysical properties (such as structural, functional, and spatial information, amino acid conservation, physicochemical variation, residue mobility, and thermodynamic stability) indicates that this missense variant is not expected to disrupt KLF1 protein function with a negative predictive value of 80%. In summary, the available evidence is currently insufficient to determine the role of this variant in disease. Therefore, it has been classified as a Variant of Uncertain Significance.

NM_006563.5(KLF1):c.425C>T (p.Ala142Val)

Genes: KLF1 (KLF transcription factor 1; minus strand), LOC130063673 (ATAC-STARR-seq lymphoblastoid silent region 10180; plus strand). Cytogenetic location: 19p13.13.
Variant type: single nucleotide variant.
Coding change: c.425C>T on transcript NM_006563.5 (MANE Select); coding-DNA position 425, C replaced by T.
Protein change: p.Ala142Val; replaces alanine 142 with valine.
Molecular consequence: missense variant.
Genome position (GRCh38, 1-based): chr19:12,885,805, G>A on the plus strand (C>T on the coding strand, the complement: KLF1 is on the minus strand). VCF-style: chr19-12885805-G-A. GRCh37 (hg19) VCF-style: chr19-12996619-G-A.
Other names: c.425C>T (NM_006563.3); short protein forms A142V.
Identifiers: ClinVar variation 1922577 (VCV001922577.6), dbSNP rs962054327, ClinGen allele CA305499561.